The following is an entry in ClinVar:

NM_004239.4(TRIP11):c.201+6A>G

Gene: TRIP11 (thyroid hormone receptor interactor 11; minus strand). Cytogenetic location: 14q32.12.
Variant type: single nucleotide variant.
Coding change: c.201+6A>G on transcript NM_004239.4 (MANE Select); 6 bases into the intron after coding-DNA position 201, A replaced by G.
Molecular consequence: intron variant.
Genome position (GRCh38, 1-based): chr14:92,033,186, T>C on the plus strand (A>G on the coding strand, the complement: TRIP11 is on the minus strand). VCF-style: chr14-92033186-T-C. GRCh37 (hg19) VCF-style: chr14-92499530-T-C.
Other names: c.198+6A>G (NM_001321851.1).
Identifiers: ClinVar variation 3687607 (VCV003687607.2).

ClinVar aggregate classification (germline): Uncertain significance (1 of 4 stars; one submission).

Conditions:
Achondrogenesis, type IA (ACG1A). Identifiers: Orphanet 932, Orphanet 93299, MedGen C0265273, MONDO:0008701, OMIM 200600.

gnomAD v4.1: 5 of 1,612,118 alleles (0.00031%); highest among the groups gnomAD compares: Middle Eastern, 0.033%; no homozygotes.

Submission:

Labcorp Genetics (formerly Invitae), Labcorp
Classification: Uncertain significance for Achondrogenesis, type IA. Last evaluated: 2025-01-07. Review status: criteria provided, single submitter. Criteria: Invitae Variant Classification Sherloc (09022015). Collection method: clinical testing. Allele origin: germline.
Comment: This sequence change falls in intron 2 of the TRIP11 gene. It does not directly change the encoded amino acid sequence of the TRIP11 protein. It affects a nucleotide within the consensus splice site. This variant is present in population databases (rs760872000, gnomAD 0.01%). This variant has not been reported in the literature in individuals affected with TRIP11-related conditions. Variants that disrupt the consensus splice site are a relatively common cause of aberrant splicing (PMID: 17576681, 9536098). Algorithms developed to predict the effect of sequence changes on RNA splicing suggest that this variant is not likely to affect RNA splicing. In summary, the available evidence is currently insufficient to determine the role of this variant in disease. Therefore, it has been classified as a Variant of Uncertain Significance.

Literature cited by the submitters: PubMed 17576681; PubMed 9536098.